The following is an entry in ClinVar:

ClinVar aggregate classification (germline): Uncertain significance. Review status: criteria provided, multiple submitters, no conflicts (2 of 4 stars). 2 submissions from 2 submitters: Uncertain significance (2). Last evaluated 2024-08-27.

Conditions:
Hypercholesterolemia, familial, 4 (FHCL4). Also called: HYPERCHOLESTEROLEMIA, AUTOSOMAL RECESSIVE, 1; HYPERCHOLESTEROLEMIA, AUTOSOMAL RECESSIVE, 2. Identifiers: Orphanet 391665, MedGen C1863512, MONDO:0011374, OMIM 603813.

Allele frequency attached by ClinVar (database versions not stated): ExAC 0.00001; gnomAD 0.00001; gnomAD exomes 0.00001 and 0.00003; TOPMed 0.00003.
gnomAD v4.1: 13 of 1,613,802 alleles (0.00081%); highest among the groups gnomAD compares: East Asian, 0.027%; no homozygotes.

Submissions (2):

Women's Health and Genetics/Laboratory Corporation of America, LabCorp
Classification: Uncertain significance. Last evaluated: 2024-08-27. Review status: criteria provided, single submitter. Criteria: LabCorp Variant Classification Summary - May 2015. Collection method: clinical testing. Allele origin: germline.

Labcorp Genetics (formerly Invitae), Labcorp
Classification: Uncertain significance for Hypercholesterolemia, familial, 4. Last evaluated: 2021-10-14. Review status: criteria provided, single submitter. Criteria: Invitae Variant Classification Sherloc (09022015). Collection method: clinical testing. Allele origin: germline.
Comment: This sequence change replaces threonine with isoleucine at codon 36 of the LDLRAP1 protein (p.Thr36Ile). The threonine residue is highly conserved and there is a moderate physicochemical difference between threonine and isoleucine. This variant is present in population databases (rs745797553, ExAC 0.006%). This variant has not been reported in the literature in individuals affected with LDLRAP1-related conditions. Algorithms developed to predict the effect of missense changes on protein structure and function are either unavailable or do not agree on the potential impact of this missense change (SIFT: "Deleterious"; PolyPhen-2: "Benign"; Align-GVGD: "Class C0"). In summary, the available evidence is currently insufficient to determine the role of this variant in disease. Therefore, it has been classified as a Variant of Uncertain Significance.

NM_015627.3(LDLRAP1):c.107C>T (p.Thr36Ile)

Gene: LDLRAP1 (low density lipoprotein receptor adaptor protein 1; plus strand). Cytogenetic location: 1p36.11.
Variant type: single nucleotide variant.
Coding change: c.107C>T on transcript NM_015627.3 (MANE Select); coding-DNA position 107, C replaced by T.
Protein change: p.Thr36Ile; replaces threonine 36 with isoleucine.
Molecular consequence: missense variant.
Genome position (GRCh38, 1-based): chr1:25,553,940, C>T. VCF-style: chr1-25553940-C-T. GRCh37 (hg19) VCF-style: chr1-25880431-C-T.
Other names: short protein forms T36I.
Identifiers: ClinVar variation 1510556 (VCV001510556.6), dbSNP rs745797553, ClinGen allele CA695434.